The following is an entry in ClinVar:

ClinVar aggregate classification (germline): Uncertain significance (1 of 4 stars; one submission).

Allele frequency attached by ClinVar (database versions not stated): gnomAD exomes 0.00001; ExAC 0.00003; gnomAD 0.00003 and 0.00004; TOPMed 0.00003.
gnomAD v4.1: 22 of 1,553,964 alleles (0.0014%); highest among the groups gnomAD compares: African/African-American, 0.0055%; no homozygotes.

Submission:

Labcorp Genetics (formerly Invitae), Labcorp
Classification: Uncertain significance. Last evaluated: 2024-09-08. Review status: criteria provided, single submitter. Criteria: Invitae Variant Classification Sherloc (09022015). Collection method: clinical testing. Allele origin: germline.
Comment: This sequence change replaces arginine, which is basic and polar, with glutamine, which is neutral and polar, at codon 626 of the CCDC88A protein (p.Arg626Gln). This variant is present in population databases (rs577435512, gnomAD 0.002%). This variant has not been reported in the literature in individuals affected with CCDC88A-related conditions. ClinVar contains an entry for this variant (Variation ID: 1435933). An algorithm developed to predict the effect of missense changes on protein structure and function (PolyPhen-2) suggests that this variant is likely to be disruptive. In summary, the available evidence is currently insufficient to determine the role of this variant in disease. Therefore, it has been classified as a Variant of Uncertain Significance.

NM_001365480.1(CCDC88A):c.1877G>A (p.Arg626Gln)

Gene: CCDC88A (coiled-coil domain containing 88A; minus strand). Cytogenetic location: 2p16.1.
Variant type: single nucleotide variant.
Coding change: c.1877G>A on transcript NM_001365480.1 (MANE Select); coding-DNA position 1877, G replaced by A.
Protein change: p.Arg626Gln; replaces arginine 626 with glutamine.
Molecular consequence: missense variant.
Genome position (GRCh38, 1-based): chr2:55,334,944, C>T on the plus strand (G>A on the coding strand, the complement: CCDC88A is on the minus strand). VCF-style: chr2-55334944-C-T. GRCh37 (hg19) VCF-style: chr2-55562080-C-T.
Other names: c.1877G>A, p.Arg626Gln (NM_001135597.2, NM_001254943.2, NM_018084.5); short protein forms R626Q.
Identifiers: ClinVar variation 1435933 (VCV001435933.8), dbSNP rs577435512, ClinGen allele CA1666054.